The following is an entry in ClinVar:

NM_000719.7(CACNA1C):c.5773G>T (p.Val1925Phe)

Genes: CACNA1C (calcium voltage-gated channel subunit alpha1 C; plus strand), CACNA1C-AS1 (CACNA1C antisense RNA 1; minus strand). Cytogenetic location: 12p13.33.
Variant type: single nucleotide variant.
Coding change: c.5773G>T on transcript NM_000719.7 (MANE Select); coding-DNA position 5773, G replaced by T.
Protein change: p.Val1925Phe; replaces valine 1925 with phenylalanine.
Molecular consequence: missense variant.
Genome position (GRCh38, 1-based): chr12:2,686,258, G>T. VCF-style: chr12-2686258-G-T. GRCh37 (hg19) VCF-style: chr12-2795424-G-T.
Other names: c.5917G>T, p.Val1973Phe (NM_001129827.2); c.5896G>T, p.Val1966Phe (NM_001129829.2); c.5878G>T, p.Val1960Phe (NM_001129830.3, NM_001167624.3); c.5857G>T, p.Val1953Phe (NM_001129831.2); c.5833G>T, p.Val1945Phe (NM_001129832.2); c.5830G>T, p.Val1944Phe (NM_001129833.2, NM_001129834.2, NM_001129835.2); c.5824G>T, p.Val1942Phe (NM_001129836.2); c.5797G>T, p.Val1933Phe (NM_001129837.2, NM_001129838.2); and 6 more; short protein forms V1931F, V1944F, V1945F, V1953F, V1966F, V1925F, V1985F, V1922F.
Identifiers: ClinVar variation 1749564 (VCV001749564.2), dbSNP rs765256998, ClinGen allele CA383382809.

ClinVar aggregate classification (germline): Uncertain significance (1 of 4 stars; one submission).

Conditions:
Cardiovascular phenotype. Identifiers: MedGen CN230736.

Submission:

Ambry Genetics
Classification: Uncertain significance for Cardiovascular phenotype. Last evaluated: 2022-03-31. Review status: criteria provided, single submitter. Criteria: Ambry Variant Classification Scheme 2023. Collection method: clinical testing. Allele origin: germline.
Comment: The p.V1925F variant (also known as c.5773G>T), located in coding exon 45 of the CACNA1C gene, results from a G to T substitution at nucleotide position 5773. The valine at codon 1925 is replaced by phenylalanine, an amino acid with highly similar properties. This amino acid position is highly conserved in available vertebrate species. In addition, the in silico prediction for this alteration is inconclusive. Since supporting evidence is limited at this time, the clinical significance of this alteration remains unclear.